The following is an entry in ClinVar:

NM_004656.4(BAP1):c.892G>C (p.Ala298Pro)

Gene: BAP1 (BRCA1 associated deubiquitinase 1; minus strand). Cytogenetic location: 3p21.1.
Variant type: single nucleotide variant.
Coding change: c.892G>C on transcript NM_004656.4 (MANE Select); coding-DNA position 892, G replaced by C.
Protein change: p.Ala298Pro; replaces alanine 298 with proline.
Molecular consequence: missense variant.
Genome position (GRCh38, 1-based): chr3:52,405,804, C>G on the plus strand (G>C on the coding strand, the complement: BAP1 is on the minus strand). VCF-style: chr3-52405804-C-G. GRCh37 (hg19) VCF-style: chr3-52439820-C-G.
Other names: c.892G>C (NM_004656.2); short protein forms A298P.
Identifiers: ClinVar variation 861264 (VCV000861264.8), dbSNP rs1705137575, ClinGen allele CA353106624.

ClinVar aggregate classification (germline): Conflicting classifications of pathogenicity. Review status: criteria provided, conflicting classifications (1 of 4 stars). 2 submissions from 2 submitters: Uncertain significance (1); Likely benign (1). Last evaluated 2026-05-12.

Conditions:
BAP1-related tumor predisposition syndrome (TPDS1). Also called: Tumor susceptibility linked to germline BAP1 mutations; BAP1 tumor predisposition syndrome; COMMON Syndrome; TUMOR PREDISPOSITION SYNDROME 1. Identifiers: Orphanet 289539, MedGen C3280492, MONDO:0013692, OMIM 614327.
Hereditary cancer-predisposing syndrome. Also called: Tumor predisposition; Neoplastic Syndromes, Hereditary; Hereditary neoplastic syndrome; Hereditary Cancer Syndrome. Identifiers: Orphanet 140162, MedGen C0027672, MeSH D009386, MONDO:0015356.

Submissions (2):

Ambry Genetics
Classification: Likely benign for Hereditary cancer-predisposing syndrome. Last evaluated: 2026-05-12. Review status: criteria provided, single submitter. Criteria: Ambry Variant Classification Scheme 2023. Collection method: clinical testing. Allele origin: germline.

Labcorp Genetics (formerly Invitae), Labcorp
Classification: Uncertain significance for BAP1-related tumor predisposition syndrome. Last evaluated: 2025-11-04. Review status: criteria provided, single submitter. Criteria: Invitae Variant Classification Sherloc (09022015). Collection method: clinical testing. Allele origin: germline.
Comment: This sequence change replaces alanine, which is neutral and non-polar, with proline, which is neutral and non-polar, at codon 298 of the BAP1 protein (p.Ala298Pro). This variant is not present in population databases (gnomAD no frequency). This variant has not been reported in the literature in individuals affected with BAP1-related conditions. ClinVar contains an entry for this variant (Variation ID: 861264). An algorithm developed to predict the effect of missense changes on protein structure and function (PolyPhen-2) suggests that this variant is likely to be tolerated. In summary, the available evidence is currently insufficient to determine the role of this variant in disease. Therefore, it has been classified as a Variant of Uncertain Significance.